The following is an entry in ClinVar:

ClinVar aggregate classification (germline): Uncertain significance (1 of 4 stars; one submission).

Conditions:
Familial cold autoinflammatory syndrome 2 (FCAS2). Identifiers: Orphanet 247868, MedGen C2673198, MONDO:0012724, OMIM 611762.

Submission:

Labcorp Genetics (formerly Invitae), Labcorp
Classification: Uncertain significance for Familial cold autoinflammatory syndrome 2. Last evaluated: 2020-03-18. Review status: criteria provided, single submitter. Criteria: Invitae Variant Classification Sherloc (09022015). Collection method: clinical testing. Allele origin: germline.
Comment: This sequence change replaces alanine with threonine at codon 969 of the NLRP12 protein (p.Ala969Thr). The alanine residue is weakly conserved and there is a small physicochemical difference between alanine and threonine. This variant is present in population databases (rs754537076, ExAC 0.02%). This variant has not been reported in the literature in individuals with NLRP12-related conditions. Algorithms developed to predict the effect of missense changes on protein structure and function output the following: SIFT: "Tolerated"; PolyPhen-2: "Benign"; Align-GVGD: "Class C0". The threonine amino acid residue is found in multiple mammalian species, suggesting that this missense change does not adversely affect protein function. These predictions have not been confirmed by published functional studies and their clinical significance is uncertain. In summary, the available evidence is currently insufficient to determine the role of this variant in disease. Therefore, it has been classified as a Variant of Uncertain Significance.

NM_144687.4(NLRP12):c.2905G>A (p.Ala969Thr)

Gene: NLRP12 (NLR family pyrin domain containing 12; minus strand). Cytogenetic location: 19q13.42.
Variant type: single nucleotide variant.
Coding change: c.2905G>A on transcript NM_144687.4 (MANE Select); coding-DNA position 2905, G replaced by A.
Protein change: p.Ala969Thr; replaces alanine 969 with threonine.
Molecular consequence: missense variant. On other transcripts: intron variant (1).
Genome position (GRCh38, 1-based): chr19:53,798,265, C>T on the plus strand (G>A on the coding strand, the complement: NLRP12 is on the minus strand). VCF-style: chr19-53798265-C-T. GRCh37 (hg19) VCF-style: chr19-54301519-C-T.
Other names: c.2908G>A, p.Ala970Thr (NM_001277126.2); c.2757-2236G>A (NM_001277129.1); short protein forms A969T, A970T.
Identifiers: ClinVar variation 1061083 (VCV001061083.9), dbSNP rs754537076, ClinGen allele CA9638872.